The following is an entry in ClinVar:

ClinVar aggregate classification (germline): Uncertain significance (0 of 4 stars; one submission).

Conditions:
THBS1-related disorder. Also called: THBS1-related condition.

Submission:

PreventionGenetics, part of Exact Sciences
Classification: Uncertain significance for THBS1-related condition. Last evaluated: 2024-06-03. Review status: no assertion criteria provided. Collection method: clinical testing. Allele origin: germline.
Comment: The THBS1 c.68_69delAG variant is predicted to result in a frameshift and premature protein termination (p.Glu23Valfs*9). To our knowledge, this variant has not been reported in the literature or in a large population database, indicating this variant is rare. Although we suspect that this variant may be pathogenic, at this time, the clinical significance of this variant is uncertain due to the absence of conclusive functional and genetic evidence.

NM_003246.3(THBS1):c.68_69delAG

Gene: THBS1 (thrombospondin 1; plus strand). Cytogenetic location: 15q14.
Variant type: Microsatellite.
Coding change: c.68_69delAG on transcript NM_003246.3; coding-DNA positions 68 to 69, 2 bases deleted (AG).
Genome position (GRCh38, 1-based): chr15:39,582,193-39,582,194, AG deleted; deleting any 2 consecutive bases within chr15:39,582,191-39,582,194 gives the same sequence; the c. name uses the placement nearest the transcript's 3' end. VCF-style (leftmost placement, unchanged base first): chr15-39582190-CAG-C. GRCh37 (hg19) VCF-style: chr15-39874391-CAG-C.
Identifiers: ClinVar variation 3344153 (VCV003344153.1).
Genomic context (GRCh38, chr15:39,582,190, plus strand): 5'-CTCAGCCCCCTACTGCTGGTCCCAGCCTAGAAAGCTCACTTTGTGTTCTCTCCTGTCTAA[CAG>C]AGTCTGGCGGAGACAACAGCGTGTTTGACATCTTTGAACTCACCGGGGCCGCCCGCAAGG-3'